The following is an entry in ClinVar:

NM_000059.4(BRCA2):c.5603_5606del (p.Asp1868fs)

Gene: BRCA2 (BRCA2 DNA repair associated; plus strand). Cytogenetic location: 13q13.1.
Variant type: Microsatellite.
Coding change: c.5603_5606del on transcript NM_000059.4 (MANE Select); coding-DNA positions 5603 to 5606, 4 bases deleted (ACAG; older notation c.5603_5606delACAG).
Protein change: p.Asp1868fs; shifts the reading frame from aspartic acid 1868.
Molecular consequence: frameshift variant.
Genome position (GRCh38, 1-based): chr13:32,339,958-32,339,961, ACAG deleted; deleting any 4 consecutive bases within chr13:32,339,954-32,339,961 gives the same sequence; the c. name uses the placement nearest the transcript's 3' end. VCF-style (leftmost placement, unchanged base first): chr13-32339953-TACAG-T. GRCh37 (hg19) VCF-style: chr13-32914090-TACAG-T.
Other names: 5831del4; c.5603_5606delACAG (NM_000059.3); short protein forms D1868fs.
Identifiers: ClinVar variation 37978 (VCV000037978.57), dbSNP rs397507356, ClinGen allele CA022689.

ClinVar aggregate classification (germline): Pathogenic. Review status: reviewed by expert panel (3 of 4 stars). 7 submissions from 7 submitters: Pathogenic (1). 6 of the submissions do not count toward it. Last evaluated 2016-09-08.

Conditions:
Hereditary cancer-predisposing syndrome. Also called: Tumor predisposition; Neoplastic Syndromes, Hereditary; Hereditary neoplastic syndrome; Hereditary Cancer Syndrome. Identifiers: Orphanet 140162, MedGen C0027672, MeSH D009386, MONDO:0015356.
Hereditary breast ovarian cancer syndrome. Also called: Hereditary breast and ovarian cancer; Hereditary breast and ovarian cancer syndrome (HBOC); Hereditary breast and/or ovarian cancer syndrome; Breast and ovarian cancer; Hereditary breast and ovarian cancer syndrome; BRCA1- and BRCA2-Associated Hereditary Breast and Ovarian Cancer. Identifiers: Orphanet 145, MedGen C0677776, MeSH D061325, MONDO:0003582. Disease mechanism: loss of function.
Breast-ovarian cancer, familial, susceptibility to, 2 (BROVCA2). Also called: BRCA2 Hereditary Breast and Ovarian Cancer. Identifiers: Orphanet 145, MedGen C2675520, MONDO:0012933, OMIM 612555. Disease mechanism: loss of function.

Submissions (7):

Evidence-based Network for the Interpretation of Germline Mutant Alleles (ENIGMA)
Classification: Pathogenic for Breast-ovarian cancer, familial, susceptibility to, 2. Last evaluated: 2016-09-08. Review status: reviewed by expert panel. Criteria: ENIGMA BRCA1/2 Classification Criteria (2015). Collection method: curation. Allele origin: germline.
Comment: Variant allele predicted to encode a truncated non-functional protein.

Labcorp Genetics (formerly Invitae), Labcorp
Classification: Pathogenic for Hereditary breast ovarian cancer syndrome. Last evaluated: 2024-08-28. Review status: criteria provided, single submitter. Criteria: Invitae Variant Classification Sherloc (09022015). Collection method: clinical testing. Allele origin: germline. Not counted in ClinVar's aggregate classification.
Comment: This sequence change creates a premature translational stop signal (p.Asp1868Valfs*5) in the BRCA2 gene. It is expected to result in an absent or disrupted protein product. Loss-of-function variants in BRCA2 are known to be pathogenic (PMID: 20104584). This variant is not present in population databases (gnomAD no frequency). This premature translational stop signal has been observed in individual(s) with high risk of breast and/or ovarian cancer (PMID: 29446198, 29752822). This variant is also known as c.5599_5602del (p.T1867fs). ClinVar contains an entry for this variant (Variation ID: 37978). For these reasons, this variant has been classified as Pathogenic.

GeneDx
Classification: Pathogenic. Last evaluated: 2023-04-14. Review status: criteria provided, single submitter. Criteria: GeneDx Variant Classification Process June 2021. Collection method: clinical testing. Allele origin: germline. Affected: yes. Not counted in ClinVar's aggregate classification.
Comment: Observed in individuals with a personal or family history consistent with pathogenic variants in this gene (Mathias et al., 2019; Shao et al., 2020; Resch et al., 2021; Stella et al., 2022); Frameshift variant predicted to result in protein truncation or nonsense mediated decay in a gene for which loss of function is a known mechanism of disease; Not observed at significant frequency in large population cohorts (gnomAD); Truncating variants in this gene are considered pathogenic by a well-established clinical consortium and/or database; Also known as 5831_5834del or c.5599_5602delACAG; This variant is associated with the following publications: (PMID: 31432501, 29446198, 34680878, 35411189, 32467295, 31825140, 31742824, 29752822)

Ambry Genetics
Classification: Pathogenic for Hereditary cancer-predisposing syndrome. Last evaluated: 2022-10-27. Review status: criteria provided, single submitter. Criteria: Ambry Variant Classification Scheme 2023. Collection method: clinical testing. Allele origin: germline. Not counted in ClinVar's aggregate classification.
Comment: The c.5603_5606delACAG pathogenic mutation, located in coding exon 10 of the BRCA2 gene, results from a deletion of 4 nucleotides at nucleotide positions 5603 to 5606, causing a translational frameshift with a predicted alternate stop codon (p.D1868Vfs*5). This variant is considered to be rare based on population cohorts in the Genome Aggregation Database (gnomAD). This alteration is expected to result in loss of function by premature protein truncation or nonsense-mediated mRNA decay. As such, this alteration is interpreted as a disease-causing mutation.

Consortium of Investigators of Modifiers of BRCA1/2 (CIMBA), c/o University of Cambridge
Classification: Pathogenic for Breast-ovarian cancer, familial, susceptibility to, 2. Last evaluated: 2015-10-02. Review status: criteria provided, single submitter. Criteria: CIMBA Mutation Classification guidelines May 2016. Collection method: clinical testing. Allele origin: germline. Not counted in ClinVar's aggregate classification.

Molecular Oncology, Hospital Universitario Central de Asturias (HUCA)
Classification: Pathogenic for Breast-ovarian cancer, familial, susceptibility to, 2. Last evaluated: 2021-05-24. Review status: no assertion criteria provided. Collection method: case-control. Allele origin: germline. Affected: yes. Not counted in ClinVar's aggregate classification.

Sharing Clinical Reports Project (SCRP)
Classification: Pathogenic for Breast-ovarian cancer, familial 2. Last evaluated: 2012-05-01. Review status: no assertion criteria provided. Collection method: clinical testing. Allele origin: germline. Not counted in ClinVar's aggregate classification.

Literature cited by the submitters: PubMed 20104584 (cited by Labcorp Genetics (formerly Invitae), Labcorp); PubMed 29446198 (cited by Labcorp Genetics (formerly Invitae), Labcorp); PubMed 29752822 (cited by Labcorp Genetics (formerly Invitae), Labcorp); PubMed 38922859 (cited by Molecular Oncology, Hospital Universitario Central de Asturias (HUCA)).